The following is an entry in ClinVar:

ClinVar aggregate classification (germline): Uncertain significance (1 of 4 stars; one submission).

Allele frequency attached by ClinVar (database versions not stated): TOPMed 0.00001; gnomAD exomes 0.00002 and 0.00004; ExAC 0.00003.
gnomAD v4.1: 24 of 1,593,088 alleles (0.0015%); highest among the groups gnomAD compares: Non-Finnish European, 0.0018%; no homozygotes.

Submission:

Labcorp Genetics (formerly Invitae), Labcorp
Classification: Uncertain significance. Last evaluated: 2025-02-09. Review status: criteria provided, single submitter. Criteria: Invitae Variant Classification Sherloc (09022015). Collection method: clinical testing. Allele origin: germline.
Comment: This sequence change replaces asparagine, which is neutral and polar, with aspartic acid, which is acidic and polar, at codon 194 of the TNNI3K protein (p.Asn194Asp). This variant is present in population databases (rs199601010, gnomAD 0.006%). This variant has not been reported in the literature in individuals affected with TNNI3K-related conditions. ClinVar contains an entry for this variant (Variation ID: 1494144). Invitae Evidence Modeling of protein sequence and biophysical properties (such as structural, functional, and spatial information, amino acid conservation, physicochemical variation, residue mobility, and thermodynamic stability) indicates that this missense variant is not expected to disrupt TNNI3K protein function with a negative predictive value of 80%. Algorithms developed to predict the effect of sequence changes on RNA splicing suggest that this variant may create or strengthen a splice site. In summary, the available evidence is currently insufficient to determine the role of this variant in disease. Therefore, it has been classified as a Variant of Uncertain Significance.

NM_015978.3(TNNI3K):c.580A>G (p.Asn194Asp)

Genes: FPGT-TNNI3K (FPGT-TNNI3K readthrough; plus strand), TNNI3K (TNNI3 interacting kinase; plus strand). Cytogenetic location: 1p31.1.
Variant type: single nucleotide variant.
Coding change: c.580A>G on transcript NM_015978.3 (MANE Select); coding-DNA position 580, A replaced by G.
Protein change: p.Asn194Asp; replaces asparagine 194 with aspartic acid.
Molecular consequence: missense variant.
Genome position (GRCh38, 1-based): chr1:74,336,047, A>G. VCF-style: chr1-74336047-A-G. GRCh37 (hg19) VCF-style: chr1-74801731-A-G.
Other names: c.883A>G, p.Asn295Asp (NM_001112808.3, NM_001199327.2); short protein forms N295D, N194D.
Identifiers: ClinVar variation 1494144 (VCV001494144.6), dbSNP rs199601010, ClinGen allele CA908952.